The following is an entry in ClinVar:

ClinVar aggregate classification (germline): Likely benign (0 of 4 stars; one submission).

Conditions:
SLC27A5-related disorder. Also called: SLC27A5-related condition.

Submission:

PreventionGenetics, part of Exact Sciences
Classification: Likely benign for SLC27A5-related condition. Last evaluated: 2023-03-28. Review status: no assertion criteria provided. Collection method: clinical testing. Allele origin: germline.
Comment: This variant is classified as likely benign based on ACMG/AMP sequence variant interpretation guidelines (Richards et al. 2015 PMID: 25741868, with internal and published modifications).

NM_012254.3(SLC27A5):c.*8G>T

Gene: SLC27A5 (solute carrier family 27 member 5; minus strand). Cytogenetic location: 19q13.43.
Variant type: single nucleotide variant.
Coding change: c.*8G>T on transcript NM_012254.3 (MANE Select); 8 bases downstream of the stop codon, G replaced by T.
Molecular consequence: 3 prime UTR variant.
Genome position (GRCh38, 1-based): chr19:58,498,507, C>A on the plus strand (G>T on the coding strand, the complement: SLC27A5 is on the minus strand). VCF-style: chr19-58498507-C-A. GRCh37 (hg19) VCF-style: chr19-59009874-C-A.
Other names: c.*8G>T (NM_001321196.2).
Identifiers: ClinVar variation 3045010 (VCV003045010.2), dbSNP rs1046573601, ClinGen allele CA2587697860.